The following is an entry in ClinVar:

ClinVar aggregate classification (germline): Uncertain significance (1 of 4 stars; one submission).

Submission:

GeneDx
Classification: Uncertain significance. Last evaluated: 2024-12-10. Review status: criteria provided, single submitter. Criteria: GeneDx Variant Classification Process June 2021. Collection method: clinical testing. Allele origin: germline. Affected: yes.
Comment: Not observed at significant frequency in large population cohorts (gnomAD); In silico analysis supports that this missense variant has a deleterious effect on protein structure/function; Has not been previously published as pathogenic or benign to our knowledge

NM_139318.5(KCNH5):c.1978T>C (p.Phe660Leu)

Gene: KCNH5 (potassium voltage-gated channel subfamily H member 5; minus strand). Cytogenetic location: 14q23.2.
Variant type: single nucleotide variant.
Coding change: c.1978T>C on transcript NM_139318.5 (MANE Select); coding-DNA position 1978, T replaced by C.
Protein change: p.Phe660Leu; replaces phenylalanine 660 with leucine.
Molecular consequence: missense variant. On other transcripts: intron variant (1).
Genome position (GRCh38, 1-based): chr14:62,779,769, A>G on the plus strand (T>C on the coding strand, the complement: KCNH5 is on the minus strand). VCF-style: chr14-62779769-A-G. GRCh37 (hg19) VCF-style: chr14-63246487-A-G.
Other names: c.1822+22560T>C (NM_172375.3); short protein forms F660L.
Identifiers: ClinVar variation 3903409 (VCV003903409.1).